The following is an entry in ClinVar:

ClinVar aggregate classification (germline): Likely pathogenic (0 of 4 stars; one submission).

Conditions:
Pyruvate dehydrogenase E1-alpha deficiency (PDHAD). Also called: ATAXIA, INTERMITTENT, WITH PYRUVATE DEHYDROGENASE DEFICIENCY; ATAXIA WITH LACTIC ACIDOSIS I; ATAXIA, INTERMITTENT, WITH ABNORMAL PYRUVATE METABOLISM; Ataxia, intermittent, with pyruvate dehydrogenase, or decarboxylase, deficiency. Identifiers: Orphanet 79243, MedGen C1839413, MONDO:0010717, OMIM 312170.

Submission:

PDHA1 Study Group, University Children’s Hospital, Paracelsus Medical University
Classification: Likely pathogenic for Pyruvate dehydrogenase E1-alpha deficiency. Last evaluated: 2024-10-15. Review status: no assertion criteria provided. Collection method: research. Allele origin: de novo. Affected: yes. Observed: 1 variant allele.
Comment: The NM_000284.3:c.933_989dup (p.Lys313_Ser331dup) change is a deletion-insertion (delins) variant in PDHA1 gene. Among them, 1 case had confirmed de novo occurrence. Last literature search: July 12, 2024. This variant is absent or extremely rare in population-based cohorts in the Genome Aggregation Database (gnomAD). Individuals harboring this variant presented with clinical features compatible with PDHA1-related PDHc deficiency. In summary, this variant meets criteria to be classified as likely pathogenic (LP) for PDHA1-related PDHc deficiency based on the ACMG/AMP criteria applied: PS2, PM2, PP3 (last assessment October 15, 2024).

Literature cited by the submitters: DOI 10.1093/brain/awaf430.

NM_000284.4(PDHA1):c.933_989dup (p.Ser331_Val332insLysSerAspProIleMetLeuLeuLysAspArgMetValAsnSerAsnLeuAlaSer)

Gene: PDHA1 (pyruvate dehydrogenase E1 subunit alpha 1; plus strand). Cytogenetic location: Xp22.12.
Variant type: Duplication.
Coding change: c.933_989dup on transcript NM_000284.4 (MANE Select); coding-DNA positions 933 to 989, 57 bases duplicated.
Protein change: p.Ser331_Val332insLysSerAspProIleMetLeuLeuLysAspArgMetValAsnSerAsnLeuAlaSer.
Molecular consequence: inframe insertion.
Genome position (GRCh38, 1-based): chrX:19,358,949-19,359,005, 57 bases duplicated. GRCh37 (hg19): chrX:19,377,067-19,377,123.
Other names: c.1047_1103dup, p.Ser369_Val370insLysSerAspProIleMetLeuLeuLysAspArgMetValAsnSerAsnLeuAlaSer (NM_001173454.2); c.954_1010dup, p.Ser338_Val339insLysSerAspProIleMetLeuLeuLysAspArgMetValAsnSerAsnLeuAlaSer (NM_001173455.2); c.840_896dup, p.Ser300_Val301insLysSerAspProIleMetLeuLeuLysAspArgMetValAsnSerAsnLeuAlaSer (NM_001173456.2).
Identifiers: ClinVar variation 4070404 (VCV004070404.1).